The following is an entry in ClinVar:

ClinVar aggregate classification (germline): Uncertain significance (1 of 4 stars; one submission).

Submission:

Labcorp Genetics (formerly Invitae), Labcorp
Classification: Uncertain significance. Last evaluated: 2025-10-08. Review status: criteria provided, single submitter. Criteria: Invitae Variant Classification Sherloc (09022015). Collection method: clinical testing. Allele origin: germline.
Comment: This variant, c.628_633del, results in the deletion of 2 amino acid(s) of the NUP62 protein (p.Pro210_Thr211del), but otherwise preserves the integrity of the reading frame. This variant is present in population databases (rs755405812, gnomAD 0.005%). This variant has not been reported in the literature in individuals affected with NUP62-related conditions. Experimental studies and prediction algorithms are not available or were not evaluated, and the functional significance of this variant is currently unknown. In summary, the available evidence is currently insufficient to determine the role of this variant in disease. Therefore, it has been classified as a Variant of Uncertain Significance.

NM_016553.5(NUP62):c.622CCCACA[1] (p.208PT[1])

Genes: IL4I1 (interleukin 4 induced 1; minus strand), NUP62 (nucleoporin 62; minus strand). Cytogenetic location: 19q13.33.
Variant type: Microsatellite.
Coding change: c.622CCCACA[1] on transcript NM_016553.5 (MANE Select); one copy of the 6-base unit CCCACA starting at c.622; the reference has two copies in a row; one copy, 6 bases deleted.
Protein change: p.208PT[1].
Molecular consequence: inframe deletion. On other transcripts: intron variant (3).
Genome position (GRCh38, 1-based): chr19:49,909,175-49,909,180, TGTGGG deleted on the plus strand (CCCACA on the coding strand, the reverse complement: NUP62 is on the minus strand); deleting any 6 consecutive bases within chr19:49,909,175-49,909,186 gives the same sequence; the position shown is the placement nearest the transcript's 3' end. VCF-style (leftmost placement, unchanged base first): chr19-49909174-CTGTGGG-C. GRCh37 (hg19) VCF-style: chr19-50412431-CTGTGGG-C.
Other names: c.622CCCACA[1], p.208PT[1] (NM_001193357.2, NM_012346.5, NM_153718.4 and 1 more transcripts); c.-227-4859_-227-4854del (NM_001258017.2, NM_172374.3); c.-285-4859_-285-4854del (NM_001258018.2).
Identifiers: ClinVar variation 4742144 (VCV004742144.1).